The following is an entry in ClinVar:

NM_000352.6(ABCC8):c.2457G>C (p.Gln819His)

Genes: ABCC8 (ATP binding cassette subfamily C member 8; minus strand), LOC110121471 (VISTA enhancer hs1977; plus strand). Cytogenetic location: 11p15.1.
Variant type: single nucleotide variant.
Coding change: c.2457G>C on transcript NM_000352.6 (MANE Select); coding-DNA position 2457, G replaced by C.
Protein change: p.Gln819His; replaces glutamine 819 with histidine.
Molecular consequence: missense variant. On other transcripts: non-coding transcript variant (1).
Genome position (GRCh38, 1-based): chr11:17,413,412, C>G on the plus strand (G>C on the coding strand, the complement: ABCC8 is on the minus strand). VCF-style: chr11-17413412-C-G. GRCh37 (hg19) VCF-style: chr11-17434959-C-G.
Other names: c.2460G>C, p.Gln820His (NM_001287174.3); c.2523G>C, p.Gln841His (NM_001351295.2); c.2457G>C, p.Gln819His (NM_001351296.2); c.2454G>C, p.Gln818His (NM_001351297.2); short protein forms Q818H, Q819H, Q820H, Q841H.
Identifiers: ClinVar variation 1699520 (VCV001699520.2), dbSNP rs1954910721, ClinGen allele CA379808563.

ClinVar aggregate classification (germline): Uncertain significance (1 of 4 stars; one submission).

Allele frequency attached by ClinVar (database versions not stated): TOPMed below 0.00001.

Submission:

GeneDx
Classification: Uncertain significance. Last evaluated: 2022-01-20. Review status: criteria provided, single submitter. Criteria: GeneDx Variant Classification Process June 2021. Collection method: clinical testing. Allele origin: germline. Affected: yes.
Comment: Not observed at significant frequency in large population cohorts (gnomAD); In silico analysis supports that this missense variant has a deleterious effect on protein structure/function; Has not been previously published as pathogenic or benign to our knowledge